The following is an entry in ClinVar:

NM_014003.4(DHX38):c.313C>T (p.Arg105Trp)

Gene: DHX38 (DEAH-box helicase 38; plus strand). Cytogenetic location: 16q22.2.
Variant type: single nucleotide variant.
Coding change: c.313C>T on transcript NM_014003.4 (MANE Select); coding-DNA position 313, C replaced by T.
Protein change: p.Arg105Trp; replaces arginine 105 with tryptophan.
Molecular consequence: missense variant.
Genome position (GRCh38, 1-based): chr16:72,096,470, C>T. VCF-style: chr16-72096470-C-T. GRCh37 (hg19) VCF-style: chr16-72130369-C-T.
Other names: c.313C>T (NM_014003.3); short protein forms R105W.
Identifiers: ClinVar variation 3699320 (VCV003699320.3).

ClinVar aggregate classification (germline): Uncertain significance. Review status: criteria provided, multiple submitters, no conflicts (2 of 4 stars). 2 submissions from 2 submitters: Uncertain significance (2). Last evaluated 2025-03-22.

gnomAD v4.1: 15 of 1,611,846 alleles (0.00093%); highest among the groups gnomAD compares: East Asian, 0.0045%; no homozygotes.

Submissions (2):

Ambry Genetics
Classification: Uncertain significance. Last evaluated: 2025-03-22. Review status: criteria provided, single submitter. Criteria: Ambry Variant Classification Scheme 2023. Collection method: clinical testing. Allele origin: germline.

Labcorp Genetics (formerly Invitae), Labcorp
Classification: Uncertain significance. Last evaluated: 2024-09-04. Review status: criteria provided, single submitter. Criteria: Invitae Variant Classification Sherloc (09022015). Collection method: clinical testing. Allele origin: germline.
Comment: This sequence change replaces arginine, which is basic and polar, with tryptophan, which is neutral and slightly polar, at codon 105 of the DHX38 protein (p.Arg105Trp). This variant is present in population databases (no rsID available, gnomAD 0.007%). This variant has not been reported in the literature in individuals affected with DHX38-related conditions. An algorithm developed to predict the effect of missense changes on protein structure and function (PolyPhen-2) suggests that this variant is likely to be tolerated. In summary, the available evidence is currently insufficient to determine the role of this variant in disease. Therefore, it has been classified as a Variant of Uncertain Significance.